The following is an entry in ClinVar:

NM_000360.4(TH):c.364C>T (p.Arg122Ter)

Gene: TH (tyrosine hydroxylase; minus strand). Cytogenetic location: 11p15.5.
Variant type: single nucleotide variant.
Coding change: c.364C>T on transcript NM_000360.4 (MANE Select); coding-DNA position 364, C replaced by T.
Protein change: p.Arg122Ter; replaces arginine 122 with a stop codon.
Molecular consequence: nonsense.
Genome position (GRCh38, 1-based): chr11:2,168,614, G>A on the plus strand (C>T on the coding strand, the complement: TH is on the minus strand). VCF-style: chr11-2168614-G-A. GRCh37 (hg19) VCF-style: chr11-2189844-G-A.
Other names: c.457C>T, p.Arg153Ter (NM_199292.3); c.445C>T, p.Arg149Ter (NM_199293.3); short protein forms R153*, R122*, R149*.
Identifiers: ClinVar variation 449110 (VCV000449110.23), dbSNP rs771610752, ClinGen allele CA5818693.
Genomic context (GRCh38, chr11:2,168,614, plus strand): 5'-CCAGGTCCCCTCGGCGCACCTCGAGGCGCACGAAGTACTCCAGGTGGGGGCCCCCAGCTC[G>A]CGGCCTCTGGGCGGGCCGGGTCTCTAGATGGTGGATTTTGGCTTCAAACGTCTTAGGGAG-3'

ClinVar aggregate classification (germline): Pathogenic. Review status: criteria provided, multiple submitters, no conflicts (2 of 4 stars). 8 submissions from 8 submitters: Pathogenic (6). 2 of the submissions do not count toward it. Last evaluated 2026-01-29.

Conditions:
TH-deficient dopa-responsive dystonia. Also called: Segawa syndrome, autosomal recessive; Tyrosine Hydroxylase-Deficient Dopa-Responsive Dystonia; DYT-TH. Identifiers: Orphanet 101150, MedGen C2673535, MONDO:0011551, OMIM 605407.

Allele frequency attached by ClinVar (database versions not stated): gnomAD 0.00002 and 0.00003; TOPMed 0.00002; ExAC 0.00003; gnomAD exomes 0.00006; 1000 Genomes Project 30x 0.00031.
gnomAD v4.1: 23 of 1,611,948 alleles (0.0014%); highest among the groups gnomAD compares: East Asian, 0.033%; no homozygotes.

Submissions (8):

Natera, Inc.
Classification: Pathogenic for Autosomal recessive Segawa syndrome. Last evaluated: 2026-01-29. Review status: criteria provided, single submitter. Criteria: Natera Variant Classification Schema (03/2026). Collection method: clinical testing. Allele origin: germline.
Comment: The c.457C>T variant in TH is a nonsense variant predicted to introduce a stop codon at amino acid 153. This variant is expected to result in nonsense mediated decay, truncation, or a dysfunctional protein product. The frequency of this variant in the general population is greater than expected for disorder. This variant has been observed in one or more individuals affected with the associated recessive disease, as either homozygous or compound heterozygous with a second variant (PMID: 22264700). Given the available evidence, this variant is classified as Pathogenic.

Labcorp Genetics (formerly Invitae), Labcorp
Classification: Pathogenic for TH-deficient dopa-responsive dystonia. Last evaluated: 2026-01-14. Review status: criteria provided, single submitter. Criteria: Invitae Variant Classification Sherloc (09022015). Collection method: clinical testing. Allele origin: germline.
Comment: This sequence change creates a premature translational stop signal (p.Arg153*) in the TH gene. It is expected to result in an absent or disrupted protein product. Loss-of-function variants in TH are known to be pathogenic (PMID: 22264700, 24753243). This variant is present in population databases (rs771610752, gnomAD 0.06%). This premature translational stop signal has been observed in individuals with tyrosine hydroxylase deficiency (PMID: 20056467, 22264700, 28087438). ClinVar contains an entry for this variant (Variation ID: 449110). For these reasons, this variant has been classified as Pathogenic.

GeneDx
Classification: Pathogenic. Last evaluated: 2024-11-12. Review status: criteria provided, single submitter. Criteria: GeneDx Variant Classification Process June 2021. Collection method: clinical testing. Allele origin: germline. Affected: yes.
Comment: Nonsense variant predicted to result in protein truncation or nonsense mediated decay in a gene for which loss of function is a known mechanism of disease; This variant is associated with the following publications: (PMID: 35041927, 20823027, 25525159, 30392784, 32219836, 32005694, 32959227, 35925398, 38566307, 28087438, 22264700, 20056467, 29405179, 30383639, 35314707)

Fulgent Genetics
Classification: Pathogenic for TH-deficient dopa-responsive dystonia. Last evaluated: 2024-05-03. Review status: criteria provided, single submitter. Criteria: ACMG Guidelines, 2015. Collection method: clinical testing. Allele origin: germline.

3billion
Classification: Pathogenic for TH-deficient dopa-responsive dystonia. Last evaluated: 2022-01-03. Review status: criteria provided, single submitter. Criteria: ACMG Guidelines, 2015. Collection method: clinical testing. Allele origin: germline. Affected: yes. Observed: 1 heterozygote.
Comment: Stop-gained (nonsense): predicted to result in a loss or disruption of normal protein function through nonsense-mediated decay (NMD) or protein truncation. Multiple pathogenic variants are reported downstream of the variant (PVS1_VS). It is observed at an extremely low frequency in the gnomAD v2.1.1 dataset (total allele frequency: 0.000059, PM2_M). The variant has been reported at least twice as pathogenic/likely pathogenic with clinical assertions and evidence for the classification (ClinVar ID: VCV000449110, PMID:20056467). Therefore, this variant is classified as pathogenic according to the recommendation of ACMG/AMP guideline.

Juno Genomics, Hangzhou Juno Genomics, Inc
Classification: Pathogenic for TH-deficient dopa-responsive dystonia. Review status: criteria provided, single submitter. Criteria: ACMG Guidelines, 2015. Collection method: clinical testing. Allele origin: germline.
Comment: Absent from controls (or at extremely low frequency if recessive) in Genome Aggregation Database.;Null variant in a gene where loss of function (LOF) is a known mechanism of disease.;For recessive disorders, detected in trans with a pathogenic variant.;Patient's phenotype or family history is highly specific for a disease with a single genetic etiology.

Counsyl
Classification: Pathogenic for TH-deficient dopa-responsive dystonia. Last evaluated: 2018-01-02. Review status: no assertion criteria provided. Collection method: clinical testing. Allele origin: unknown. Not counted in ClinVar's aggregate classification.

SingHealth Duke-NUS Institute of Precision Medicine
Classification: Likely pathogenic for TH-deficient dopa-responsive dystonia. Last evaluated: 2017-06-07. Review status: no assertion criteria provided. Collection method: curation. Allele origin: germline. Affected: no. Not counted in ClinVar's aggregate classification.

Literature cited by the submitters: PubMed 22264700 (cited by 3 submitters); PubMed 24753243 (cited by Labcorp Genetics (formerly Invitae), Labcorp); PubMed 20056467 (cited by 3 submitters); PubMed 28087438 (cited by Labcorp Genetics (formerly Invitae), Labcorp).